The following is an entry in ClinVar:

NM_000455.5(STK11):c.216G>A (p.Leu72=)

Gene: STK11 (serine/threonine kinase 11; plus strand). Cytogenetic location: 19p13.3.
Variant type: single nucleotide variant.
Coding change: c.216G>A on transcript NM_000455.5 (MANE Select); coding-DNA position 216, G replaced by A.
Protein change: p.Leu72=; no amino-acid change (leucine 72 retained).
Molecular consequence: synonymous variant.
Genome position (GRCh38, 1-based): chr19:1,207,129, G>A. VCF-style: chr19-1207129-G-A. GRCh37 (hg19) VCF-style: chr19-1207128-G-A.
Identifiers: ClinVar variation 749141 (VCV000749141.12), dbSNP rs1057524353, ClinGen allele CA504706308.

ClinVar aggregate classification (germline): Benign/Likely benign. Review status: criteria provided, multiple submitters, no conflicts (2 of 4 stars). 4 submissions from 4 submitters: Benign (1); Likely benign (3). Last evaluated 2025-06-23.

Conditions:
Peutz-Jeghers syndrome (PJS). Also called: POLYPOSIS, HAMARTOMATOUS INTESTINAL; POLYPS-AND-SPOTS SYNDROME; Peutz-Jeghers polyposis; Periorificial lentiginosis syndrome. Identifiers: Orphanet 2869, MedGen C0031269, MeSH D010580, MONDO:0008280, OMIM 175200.
Hereditary cancer-predisposing syndrome. Also called: Tumor predisposition; Hereditary Cancer Syndrome; Neoplastic Syndromes, Hereditary; Hereditary neoplastic syndrome. Identifiers: Orphanet 140162, MedGen C0027672, MeSH D009386, MONDO:0015356.

Allele frequency attached by ClinVar (database versions not stated): gnomAD 0.00001; TOPMed below 0.00001.
gnomAD v4.1: 9 of 1,613,588 alleles (0.00056%); highest among the groups gnomAD compares: Non-Finnish European, 0.00068%; no homozygotes.

Submissions (4):

Color Diagnostics, LLC DBA Color Health
Classification: Likely benign for Hereditary cancer-predisposing syndrome. Last evaluated: 2025-06-23. Review status: criteria provided, single submitter. Criteria: ACMG Guidelines, 2015. Collection method: clinical testing. Allele origin: germline.

Myriad Genetics, Inc.
Classification: Benign for Peutz-Jeghers syndrome. Last evaluated: 2025-03-25. Review status: criteria provided, single submitter. Criteria: Myriad Autosomal Dominant, Autosomal Recessive and X-Linked Classification Criteria (2023). Collection method: clinical testing. Allele origin: unknown.
Comment: This variant is considered benign. This variant is a silent/synonymous amino acid change and it is not expected to impact splicing.

Labcorp Genetics (formerly Invitae), Labcorp
Classification: Likely benign for Peutz-Jeghers syndrome. Last evaluated: 2024-06-24. Review status: criteria provided, single submitter. Criteria: Invitae Variant Classification Sherloc (09022015). Collection method: clinical testing. Allele origin: germline.

Ambry Genetics
Classification: Likely benign for Hereditary cancer-predisposing syndrome. Last evaluated: 2023-06-24. Review status: criteria provided, single submitter. Criteria: Ambry Variant Classification Scheme 2023. Collection method: clinical testing. Allele origin: germline.